The following is an entry in ClinVar:

ClinVar aggregate classification (germline): Uncertain significance (1 of 4 stars; one submission).

Conditions:
POLD1-related polyposis and colorectal cancer syndrome (CRCS10). Also called: Colorectal cancer 10; COLORECTAL CANCER, SUSCEPTIBILITY TO, ON CHROMOSOME 19q; Colorectal cancer, susceptibility to, 10. Identifiers: Orphanet 220460, MedGen C2675481, MONDO:0012953, OMIM 612591.

Allele frequency attached by ClinVar (database versions not stated): gnomAD exomes 0.00001.
gnomAD v4.1: 1 of 1,553,218 alleles (0.000064%); highest among the groups gnomAD compares: Admixed American, 0.002%; no homozygotes.

Submission:

Labcorp Genetics (formerly Invitae), Labcorp
Classification: Uncertain significance for POLD1-related polyposis and colorectal cancer syndrome. Last evaluated: 2020-03-22. Review status: criteria provided, single submitter. Criteria: Invitae Variant Classification Sherloc (09022015). Collection method: clinical testing. Allele origin: germline.
Comment: Algorithms developed to predict the effect of missense changes on protein structure and function (SIFT, PolyPhen-2, Align-GVGD) all suggest that this variant is likely to be tolerated, but these predictions have not been confirmed by published functional studies and their clinical significance is uncertain. This variant has not been reported in the literature in individuals with POLD1-related conditions. In summary, the available evidence is currently insufficient to determine the role of this variant in disease. Therefore, it has been classified as a Variant of Uncertain Significance. This variant is not present in population databases (ExAC no frequency). This sequence change replaces valine with phenylalanine at codon 65 of the POLD1 protein (p.Val65Phe). The valine residue is weakly conserved and there is a small physicochemical difference between valine and phenylalanine.

NM_002691.4(POLD1):c.193G>T (p.Val65Phe)

Gene: POLD1 (DNA polymerase delta 1, catalytic subunit; plus strand). Cytogenetic location: 19q13.33.
Variant type: single nucleotide variant.
Coding change: c.193G>T on transcript NM_002691.4 (MANE Select); coding-DNA position 193, G replaced by T.
Protein change: p.Val65Phe; replaces valine 65 with phenylalanine.
Molecular consequence: missense variant. On other transcripts: non-coding transcript variant (1).
Genome position (GRCh38, 1-based): chr19:50,399,044, G>T. VCF-style: chr19-50399044-G-T. GRCh37 (hg19) VCF-style: chr19-50902301-G-T.
Other names: c.193G>T, p.Val65Phe (NM_001256849.1, NM_001308632.1); short protein forms V65F.
Identifiers: ClinVar variation 1040744 (VCV001040744.8), dbSNP rs975951740, ClinGen allele CA406970347.